The following is an entry in ClinVar:

NM_001267550.2(TTN):c.106448_106449insGGCCGGGCGCGGTGGCTCACGCCTGTAATCCTAGCACTTTGGGAGGCCGAGGCGGGTGGATCACGAGGTCAGGAAAAAAAAAAAAAAAAAAAAAGAAATTCATAAGACTGA (p.Asp35483delinsGluAlaGlyArgGlyGlySerArgLeuTer)

Genes: TTN (titin; minus strand), TTN-AS1 (TTN antisense RNA 1; plus strand). Cytogenetic location: 2q31.2.
Variant type: Insertion.
Coding change: c.106448_106449insGGCCGGGCGCGGTGGCTCACGCCTGTAATCCTAGCACTTTGGGAGGCCGAGGCGGGTGGATCACGAGGTCAGGAAAAAAAAAAAAAAAAAAAAAGAAATTCATAAGACTGA on transcript NM_001267550.2 (MANE Select); coding-DNA positions 106448 to 106449, GGCCGGGCGCGGTGGCTCACGCCTGTAATCCTAGCACTTTGGGAGGCCGAGGCGGGTGGATCACGAGGTCAGGAAAAAAAAAAAAAAAAAAAAAGAAATTCATAAGACTGA inserted.
Protein change: p.Asp35483delinsGluAlaGlyArgGlyGlySerArgLeuTer.
Molecular consequence: nonsense.
Genome position: GRCh38: chr2:178,530,060-178,530,061. GRCh37 (hg19): chr2:179,394,787-179,394,788.
Other names: c.101525_101526insGGCCGGGCGCGGTGGCTCACGCCTGTAATCCTAGCACTTTGGGAGGCCGAGGCGGGTGGATCACGAGGTCAGGAAAAAAAAAAAAAAAAAAAAAGAAATTCATAAGACTGA, p.Asp33842delinsGluAlaGlyArgGlyGlySerArgLeuTer (NM_001256850.1); c.79253_79254insGGCCGGGCGCGGTGGCTCACGCCTGTAATCCTAGCACTTTGGGAGGCCGAGGCGGGTGGATCACGAGGTCAGGAAAAAAAAAAAAAAAAAAAAAGAAATTCATAAGACTGA, p.Asp26418delinsGluAlaGlyArgGlyGlySerArgLeuTer (NM_003319.4); c.98744_98745insGGCCGGGCGCGGTGGCTCACGCCTGTAATCCTAGCACTTTGGGAGGCCGAGGCGGGTGGATCACGAGGTCAGGAAAAAAAAAAAAAAAAAAAAAGAAATTCATAAGACTGA, p.Asp32915delinsGluAlaGlyArgGlyGlySerArgLeuTer (NM_133378.4); c.79628_79629insGGCCGGGCGCGGTGGCTCACGCCTGTAATCCTAGCACTTTGGGAGGCCGAGGCGGGTGGATCACGAGGTCAGGAAAAAAAAAAAAAAAAAAAAAGAAATTCATAAGACTGA, p.Asp26543delinsGluAlaGlyArgGlyGlySerArgLeuTer (NM_133432.3); c.79829_79830insGGCCGGGCGCGGTGGCTCACGCCTGTAATCCTAGCACTTTGGGAGGCCGAGGCGGGTGGATCACGAGGTCAGGAAAAAAAAAAAAAAAAAAAAAGAAATTCATAAGACTGA, p.Asp26610delinsGluAlaGlyArgGlyGlySerArgLeuTer (NM_133437.4).
Identifiers: ClinVar variation 4786794 (VCV004786794.1).

ClinVar aggregate classification (germline): Uncertain significance (1 of 4 stars; one submission).

Conditions:
Autosomal recessive limb-girdle muscular dystrophy type 2J (LGMDR10). Also called: Limb-girdle muscular dystrophy, type 2J; MUSCULAR DYSTROPHY, LIMB-GIRDLE, AUTOSOMAL RECESSIVE 10. Identifiers: Orphanet 140922, MedGen C1837342, MONDO:0012127, OMIM 608807.
Dilated cardiomyopathy 1G (CMD1G). Identifiers: Orphanet 154, MedGen C1858763, MONDO:0011400, OMIM 604145.

Submission:

Labcorp Genetics (formerly Invitae), Labcorp
Classification: Uncertain significance for Dilated cardiomyopathy 1G; Autosomal recessive limb-girdle muscular dystrophy type 2J. Last evaluated: 2025-11-29. Review status: criteria provided, single submitter. Criteria: Invitae Variant Classification Sherloc (09022015). Collection method: clinical testing. Allele origin: germline.
Comment: This sequence change inserts a large fragment of DNA, likely a transposable element, in exon 359 of the TTN gene (c.106448_106449ins?), causing a frameshift at codon 35483 (p.Asp35483fs). The exact size and sequence of the insertion cannot be determined by the current assay. This variant is not present in population databases (gnomAD no frequency). This variant has not been reported in the literature in individuals affected with TTN-related conditions. This variant is located in the M band of TTN (PMID: 25589632). Truncating variants in this region have been previously reported in individuals affected with autosomal dominant or autosomal recessive myopathy and muscular dystrophy (PMID: 18948003, 23975875, 24395473). Truncating variants in this region have also been identified in individuals affected with autosomal dominant dilated cardiomyopathy and/or cardio-related conditions (PMID: 27869827, 32964742, internal data). Retrotransposon insertions including LINE1 (L1), Alu, and SVA (SINE-VNTR-Alu) have been reported to disrupt protein function (PMID: 19763152, 20307669, 22406018). However the effect of this particular variant is unknown. In summary, the available evidence is currently insufficient to determine the role of this variant in disease. Therefore, it has been classified as a Variant of Uncertain Significance.

Literature cited by the submitters: PubMed 25589632; PubMed 18948003; PubMed 23975875; PubMed 24395473; PubMed 27869827; PubMed 32964742; PubMed 19763152; PubMed 20307669; PubMed 22406018.